The following is an entry in ClinVar:

NM_138459.5(NUS1):c.861_873del (p.Cys287fs)

Gene: NUS1 (NUS1 dehydrodolichyl diphosphate synthase subunit; plus strand). Cytogenetic location: 6q22.1.
Variant type: Deletion.
Coding change: c.861_873del on transcript NM_138459.5 (MANE Select); coding-DNA positions 861 to 873, 13 bases deleted (TGAACAGCGTCTG).
Protein change: p.Cys287fs; shifts the reading frame from cysteine 287.
Molecular consequence: frameshift variant.
Genome position (GRCh38, 1-based): chr6:117,706,994-117,707,006, TGAACAGCGTCTG deleted; deleting any 13 consecutive bases within chr6:117,706,991-117,707,006 gives the same sequence; the c. name uses the placement nearest the transcript's 3' end. VCF-style (leftmost placement, unchanged base first): chr6-117706990-CCTGTGAACAGCGT-C. GRCh37 (hg19) VCF-style: chr6-118028153-CCTGTGAACAGCGT-C.
Other names: short protein forms C287fs.
Identifiers: ClinVar variation 3252470 (VCV003252470.1), dbSNP rs2482037993.

ClinVar aggregate classification (germline): Uncertain significance (1 of 4 stars; one submission).

Submission:

GeneDx
Classification: Uncertain significance. Last evaluated: 2023-10-01. Review status: criteria provided, single submitter. Criteria: GeneDx Variant Classification Process June 2021. Collection method: clinical testing. Allele origin: germline. Affected: yes.
Comment: Not observed at significant frequency in large population cohorts (gnomAD); Frameshift variant predicted to result in abnormal protein length as the last 7 amino acids are replaced with 12 different amino acids; Has not been previously published as pathogenic or benign to our knowledge